The following is an entry in ClinVar:

NM_181303.2(NLGN3):c.2038A>G (p.Asn680Asp)

Gene: NLGN3 (neuroligin 3; plus strand). Cytogenetic location: Xq13.1.
Variant type: single nucleotide variant.
Coding change: c.2038A>G on transcript NM_181303.2 (MANE Select); coding-DNA position 2038, A replaced by G.
Protein change: p.Asn680Asp; replaces asparagine 680 with aspartic acid.
Molecular consequence: missense variant.
Genome position (GRCh38, 1-based): chrX:71,169,588, A>G. VCF-style: chrX-71169588-A-G. GRCh37 (hg19) VCF-style: chrX-70389438-A-G.
Other names: c.1918A>G, p.Asn640Asp (NM_001166660.2); c.1627A>G, p.Asn543Asp (NM_001321276.2); c.1978A>G, p.Asn660Asp (NM_018977.4); short protein forms N543D, N640D, N660D, N680D.
Identifiers: ClinVar variation 3361117 (VCV003361117.1).

ClinVar aggregate classification (germline): Uncertain significance (1 of 4 stars; one submission).

gnomAD v4.1: 1 of 1,210,514 alleles (0.000083%); highest among the groups gnomAD compares: Middle Eastern, 0.023%; no homozygotes.

Submission:

GeneDx
Classification: Uncertain significance. Last evaluated: 2023-07-18. Review status: criteria provided, single submitter. Criteria: GeneDx Variant Classification Process June 2021. Collection method: clinical testing. Allele origin: germline. Affected: yes.
Comment: Not observed at significant frequency in large population cohorts (gnomAD); In silico analysis supports that this missense variant does not alter protein structure/function; Has not been previously published as pathogenic or benign to our knowledge